The following is an entry in ClinVar:

NM_000548.5(TSC2):c.4303G>T (p.Glu1435Ter)

Gene: TSC2 (TSC complex subunit 2; plus strand). Cytogenetic location: 16p13.3.
Variant type: single nucleotide variant.
Coding change: c.4303G>T on transcript NM_000548.5 (MANE Select); coding-DNA position 4303, G replaced by T.
Protein change: p.Glu1435Ter; replaces glutamic acid 1435 with a stop codon.
Molecular consequence: nonsense.
Genome position (GRCh38, 1-based): chr16:2,084,525, G>T. VCF-style: chr16-2084525-G-T. GRCh37 (hg19) VCF-style: chr16-2134526-G-T.
Other names: c.4102G>T, p.Glu1368Ter (NM_001077183.3); c.4234G>T, p.Glu1412Ter (NM_001114382.3); c.3994G>T, p.Glu1332Ter (NM_001318827.2); c.3958G>T, p.Glu1320Ter (NM_001318829.2); c.3571G>T, p.Glu1191Ter (NM_001318831.2); c.4135G>T, p.Glu1379Ter (NM_001318832.2); c.4105G>T, p.Glu1369Ter (NM_001363528.2); c.4171G>T, p.Glu1391Ter (NM_001370404.1); and 1 more; short protein forms E1391*, E1368*, E1191*, E1332*, E1392*, E1412*, E1320*, E1369*.
Identifiers: ClinVar variation 941899 (VCV000941899.7), dbSNP rs1441136255, ClinGen allele CA394301186.

ClinVar aggregate classification (germline): Pathogenic (1 of 4 stars; one submission).

Conditions:
Tuberous sclerosis 2 (TSC2). Identifiers: Orphanet 805, MedGen C1860707, MONDO:0013199, OMIM 613254.

gnomAD v4.1: 1 of 1,609,532 alleles (0.000062%); no homozygotes.

Submission:

Labcorp Genetics (formerly Invitae), Labcorp
Classification: Pathogenic for Tuberous sclerosis 2. Last evaluated: 2019-06-17. Review status: criteria provided, single submitter. Criteria: Invitae Variant Classification Sherloc (09022015). Collection method: clinical testing. Allele origin: germline.
Comment: For these reasons, this variant has been classified as Pathogenic. Loss-of-function variants in TSC2 are known to be pathogenic (PMID: 10205261, 17304050). This variant has not been reported in the literature in individuals with TSC2-related conditions. This variant is not present in population databases (ExAC no frequency). This sequence change creates a premature translational stop signal (p.Glu1435*) in the TSC2 gene. It is expected to result in an absent or disrupted protein product.

Literature cited by the submitters: PubMed 10205261; PubMed 17304050.